The following is an entry in ClinVar:

NM_001136193.2(FASTKD2):c.1814-3C>T

Gene: FASTKD2 (FAST kinase domains 2; plus strand). Cytogenetic location: 2q33.3.
Variant type: single nucleotide variant.
Coding change: c.1814-3C>T on transcript NM_001136193.2 (MANE Select); 3 bases into the intron before coding-DNA position 1814, C replaced by T.
Molecular consequence: intron variant.
Genome position (GRCh38, 1-based): chr2:206,788,816, C>T. VCF-style: chr2-206788816-C-T. GRCh37 (hg19) VCF-style: chr2-207653540-C-T.
Other names: c.1814-3C>T (NM_001136194.2, NM_014929.4).
Identifiers: ClinVar variation 1472077 (VCV001472077.4), dbSNP rs1690205991, ClinGen allele CA1323334212.
Genomic context (GRCh38, chr2:206,788,816, plus strand): 5'-AAAAGAAAAAGAAAGTCACTTGGAGGAATGTTTGAAAAATTAATATCAATTCTTTCCTTT[C>T]AGATTTTGAAATCAGAATGGACACTAACAGGAATCAAGTGCTACCACTTTCTGATGTGGA-3'

ClinVar aggregate classification (germline): Uncertain significance (1 of 4 stars; one submission).

Allele frequency attached by ClinVar (database versions not stated): gnomAD exomes below 0.00001; TOPMed below 0.00001.
gnomAD v4.1: 3 of 1,455,990 alleles (0.00021%); highest among the groups gnomAD compares: Non-Finnish European, 0.00029%; no homozygotes.

Submission:

Labcorp Genetics (formerly Invitae), Labcorp
Classification: Uncertain significance. Last evaluated: 2023-07-17. Review status: criteria provided, single submitter. Criteria: Invitae Variant Classification Sherloc (09022015). Collection method: clinical testing. Allele origin: germline.
Comment: In summary, the available evidence is currently insufficient to determine the role of this variant in disease. Therefore, it has been classified as a Variant of Uncertain Significance. This sequence change falls in intron 9 of the FASTKD2 gene. It does not directly change the encoded amino acid sequence of the FASTKD2 protein. It affects a nucleotide within the consensus splice site. This variant is not present in population databases (gnomAD no frequency). This variant has not been reported in the literature in individuals affected with FASTKD2-related conditions. ClinVar contains an entry for this variant (Variation ID: 1472077). Variants that disrupt the consensus splice site are a relatively common cause of aberrant splicing (PMID: 17576681, 9536098). Algorithms developed to predict the effect of sequence changes on RNA splicing suggest that this variant is not likely to affect RNA splicing.

Literature cited by the submitters: PubMed 17576681; PubMed 9536098.